The following is an entry in ClinVar:

ClinVar aggregate classification (germline): Uncertain significance. Review status: criteria provided, multiple submitters, no conflicts (2 of 4 stars). 2 submissions from 2 submitters: Uncertain significance (2). Last evaluated 2025-06-19.

Conditions:
Hereditary spastic paraplegia 74. Also called: Spastic paraplegia 74, autosomal recessive. Identifiers: Orphanet 468661, MedGen C5568837, MONDO:0014644, OMIM 616451.
Multiple mitochondrial dysfunctions syndrome 3 (MMDS3). Identifiers: Orphanet 363424, MedGen C3809165, MONDO:0014132, OMIM 615330.

Submissions (2):

Dasa
Classification: Uncertain significance. Last evaluated: 2025-06-19. Review status: criteria provided, single submitter. Criteria: DASA Assertion Criteria. Collection method: clinical testing. Allele origin: germline.
Comment: NM_001010867.4(IBA57):c.480_481dup (p.Ala161Glyfs*91) is a frameshift variant in IBA57 predicted to alter the reading frame and introduce a premature termination codon and is predicted to result in an absent or altered protein product. This variant is rare in population databases. The currently available literature and clinical evidence are not sufficient to establish a definitive association between this variant and the reported condition. Therefore, this variant is classified as a variant of uncertain significance.

Labcorp Genetics (formerly Invitae), Labcorp
Classification: Uncertain significance for Multiple mitochondrial dysfunctions syndrome 3; Hereditary spastic paraplegia 74. Last evaluated: 2023-04-24. Review status: criteria provided, single submitter. Criteria: Invitae Variant Classification Sherloc (09022015). Collection method: clinical testing. Allele origin: germline.
Comment: This sequence change creates a premature translational stop signal (p.Ala161Glyfs*91) in the IBA57 gene. While this is not anticipated to result in nonsense mediated decay, it is expected to disrupt the last 196 amino acid(s) of the IBA57 protein. In summary, the available evidence is currently insufficient to determine the role of this variant in disease. Therefore, it has been classified as a Variant of Uncertain Significance. This variant disrupts a region of the IBA57 protein in which other variant(s) (p.Arg268Cys) have been observed in individuals with IBA57-related conditions (PMID: 29353736). This suggests that this is a clinically significant region of the protein, and that variants that disrupt it are likely to be disease-causing. Experimental studies and prediction algorithms are not available or were not evaluated, and the functional significance of this variant is currently unknown. ClinVar contains an entry for this variant (Variation ID: 2077045). This variant has not been reported in the literature in individuals affected with IBA57-related conditions. This variant is not present in population databases (gnomAD no frequency).

Literature cited by the submitters: PubMed 29353736 (cited by Labcorp Genetics (formerly Invitae), Labcorp).

NM_001010867.4(IBA57):c.480_481dup (p.Ala161fs)

Gene: IBA57 (iron-sulfur cluster assembly factor IBA57; plus strand). Cytogenetic location: 1q42.13.
Variant type: Duplication.
Coding change: c.480_481dup on transcript NM_001010867.4 (MANE Select); coding-DNA positions 480 to 481, 2 bases duplicated (GG; older notation c.480_481dupGG).
Protein change: p.Ala161fs; shifts the reading frame from alanine 161.
Molecular consequence: frameshift variant. On other transcripts: 5 prime UTR variant (1).
Genome position (GRCh38, 1-based): chr1:228,174,830-228,174,831, GG duplicated; duplicating any 2 consecutive bases within chr1:228,174,829-228,174,831 gives the same sequence; the c. name uses the placement nearest the transcript's 3' end. VCF-style (leftmost placement, unchanged base first): chr1-228174828-T-TGG. GRCh37 (hg19) VCF-style: chr1-228362529-T-TGG.
Other names: c.-100_-99dup (NM_001310327.2); short protein forms A161fs.
Identifiers: ClinVar variation 2077045 (VCV002077045.6), dbSNP rs1275216867, ClinGen allele CA732472049.